The following is an entry in ClinVar:

ClinVar aggregate classification (germline): Uncertain significance (1 of 4 stars; one submission).

Conditions:
Catecholaminergic polymorphic ventricular tachycardia 1. Also called: RYR2-Related Catecholaminergic Polymorphic Ventricular Tachycardia; VENTRICULAR TACHYCARDIA, CATECHOLAMINERGIC POLYMORPHIC, 1, WITH OR WITHOUT ATRIAL DYSFUNCTION AND/OR DILATED CARDIOMYOPATHY; VENTRICULAR TACHYCARDIA, STRESS-INDUCED POLYMORPHIC 1. Identifiers: Orphanet 3286, MedGen C1631597, MONDO:0011484, OMIM 604772.

Submission:

Labcorp Genetics (formerly Invitae), Labcorp
Classification: Uncertain significance for Catecholaminergic polymorphic ventricular tachycardia 1. Last evaluated: 2022-06-01. Review status: criteria provided, single submitter. Criteria: Invitae Variant Classification Sherloc (09022015). Collection method: clinical testing. Allele origin: germline.
Comment: In summary, the available evidence is currently insufficient to determine the role of this variant in disease. Therefore, it has been classified as a Variant of Uncertain Significance. Experimental studies and prediction algorithms are not available or were not evaluated, and the functional significance of this variant is currently unknown. This variant has not been reported in the literature in individuals affected with TRDN-related conditions. This variant is not present in population databases (gnomAD no frequency). This variant, c.1921_1923del, results in the deletion of 1 amino acid(s) of the TRDN protein (p.Glu641del), but otherwise preserves the integrity of the reading frame.

NM_006073.4(TRDN):c.1921_1923del (p.Glu641del)

Gene: TRDN (triadin; minus strand). Cytogenetic location: 6q22.31.
Variant type: Deletion.
Coding change: c.1921_1923del on transcript NM_006073.4 (MANE Select); coding-DNA positions 1921 to 1923, 3 bases deleted (GAA; older notation c.1921_1923delGAA).
Protein change: p.Glu641del; deletes glutamic acid 641.
Molecular consequence: inframe deletion.
Genome position (GRCh38, 1-based): chr6:123,255,109-123,255,111, TTC deleted on the plus strand (GAA on the coding strand, the reverse complement: TRDN is on the minus strand); deleting any 3 consecutive bases within chr6:123,255,109-123,255,113 gives the same sequence; the c. name uses the placement nearest the transcript's 3' end. VCF-style (leftmost placement, unchanged base first): chr6-123255108-TTTC-T. GRCh37 (hg19) VCF-style: chr6-123576253-TTTC-T.
Other names: short protein forms E641del.
Identifiers: ClinVar variation 1999787 (VCV001999787.3), dbSNP rs2533510912, ClinGen allele CA2580074831.